The following is an entry in ClinVar:

NM_017802.4(DNAAF5):c.1278C>T (p.Leu426=)

Gene: DNAAF5 (dynein axonemal assembly factor 5; plus strand). Cytogenetic location: 7p22.3.
Variant type: single nucleotide variant.
Coding change: c.1278C>T on transcript NM_017802.4 (MANE Select); coding-DNA position 1278, C replaced by T.
Protein change: p.Leu426=; no amino-acid change (leucine 426 retained).
Molecular consequence: synonymous variant. On other transcripts: non-coding transcript variant (1).
Genome position (GRCh38, 1-based): chr7:756,802, C>T. VCF-style: chr7-756802-C-T. GRCh37 (hg19) VCF-style: chr7-796439-C-T.
Identifiers: ClinVar variation 3047404 (VCV003047404.2), dbSNP rs1272588041, ClinGen allele CA453374708.
Genomic context (GRCh38, chr7:756,802, plus strand): 5'-CGGGTTTGGCTCTGAGTTTTCTCATGTTTCTTTCTCGCAGTGTACCAGATCCGCAGAGCT[C>T]GTCGGGACGTTTGTCAGCCCTGAGGTGTTTCTGAAGCTGATCTTATCGACGCTGAAGAAG-3'
Protein context (NP_060272.3, residues 416-436): VVQSCTRSAE[Leu426=]VGTFVSPEVF

ClinVar aggregate classification (germline): Likely benign (0 of 4 stars; one submission).

Conditions:
DNAAF5-related disorder. Also called: DNAAF5-related condition.

Allele frequency attached by ClinVar (database versions not stated): gnomAD exomes 0.00001; TOPMed 0.00001; gnomAD 0.00002.
gnomAD v4.1: 17 of 1,613,772 alleles (0.0011%); highest among the groups gnomAD compares: Non-Finnish European, 0.0012%; no homozygotes.

Submission:

PreventionGenetics, part of Exact Sciences
Classification: Likely benign for DNAAF5-related condition. Last evaluated: 2019-04-10. Review status: no assertion criteria provided. Collection method: clinical testing. Allele origin: germline.
Comment: This variant is classified as likely benign based on ACMG/AMP sequence variant interpretation guidelines (Richards et al. 2015 PMID: 25741868, with internal and published modifications).